The following is an entry in ClinVar:

ClinVar aggregate classification (germline): Benign. Review status: criteria provided, multiple submitters, no conflicts (2 of 4 stars). 3 submissions from 3 submitters: Benign (3). Last evaluated 2018-06-29.

Conditions:
Lathosterolosis. Also called: SC5D DEFICIENCY; STEROL C5-DESATURASE DEFICIENCY. Identifiers: Orphanet 46059, MedGen C1846421, MONDO:0011816, OMIM 607330.

Allele frequency attached by ClinVar (database versions not stated): 1000 Genomes Project 0.72464; gnomAD 0.72847 and 0.72559; TOPMed 0.73127; 1000 Genomes Project 30x 0.72580.
gnomAD v4.1: 651,004 of 917,434 alleles (71%); highest among the groups gnomAD compares: Admixed American, 78%; 232,423 homozygotes.

Submissions (3):

GeneDx
Classification: Benign. Last evaluated: 2018-06-29. Review status: criteria provided, single submitter. Criteria: GeneDx Variant Classification Process June 2021. Collection method: clinical testing. Allele origin: germline. Affected: yes.

Illumina Laboratory Services, Illumina
Classification: Benign for Lathosterolosis. Last evaluated: 2018-01-13. Review status: criteria provided, single submitter. Criteria: ICSL Variant Classification Criteria 13 December 2019. Collection method: clinical testing. Allele origin: germline.
Comment: This variant was observed in the ICSL laboratory as part of a predisposition screen in an ostensibly healthy population. It had not been previously curated by ICSL or reported in the Human Gene Mutation Database (HGMD: prior to June 1st, 2018), and was therefore a candidate for classification through an automated scoring system. Utilizing variant allele frequency, disease prevalence and penetrance estimates, and inheritance mode, an automated score was calculated to assess if this variant is too frequent to cause the disease. Based on the score and internal cut-off values, a variant classified as benign is not then subjected to further curation. The score for this variant resulted in a classification of benign for this disease.

Breakthrough Genomics
Classification: Benign. Review status: criteria provided, single submitter. Criteria: ACMG Guidelines, 2015. Collection method: not provided. Allele origin: germline. Inheritance: Autosomal recessive inheritance. Affected: yes.

NM_006918.5(SC5D):c.*81A>C

Gene: SC5D (sterol-C5-desaturase; plus strand). Cytogenetic location: 11q24.1.
Variant type: single nucleotide variant.
Coding change: c.*81A>C on transcript NM_006918.5 (MANE Select); 81 bases downstream of the stop codon, A replaced by C.
Molecular consequence: 3 prime UTR variant.
Genome position (GRCh38, 1-based): chr11:121,307,593, A>C. VCF-style: chr11-121307593-A-C. GRCh37 (hg19) VCF-style: chr11-121178302-A-C.
Other names: c.*81A>C (NM_001024956.3).
Identifiers: ClinVar variation 303057 (VCV000303057.7), dbSNP rs1061332, ClinGen allele CA10630151.